The following is an entry in ClinVar:

ClinVar aggregate classification (germline): Uncertain significance (1 of 4 stars; one submission).

Submission:

Labcorp Genetics (formerly Invitae), Labcorp
Classification: Uncertain significance. Last evaluated: 2025-02-04. Review status: criteria provided, single submitter. Criteria: Invitae Variant Classification Sherloc (09022015). Collection method: clinical testing. Allele origin: germline.
Comment: This sequence change replaces tryptophan, which is neutral and slightly polar, with glycine, which is neutral and non-polar, at codon 831 of the SLC4A1 protein (p.Trp831Gly). This variant is not present in population databases (gnomAD no frequency). This variant has not been reported in the literature in individuals affected with SLC4A1-related conditions. Invitae Evidence Modeling of protein sequence and biophysical properties (such as structural, functional, and spatial information, amino acid conservation, physicochemical variation, residue mobility, and thermodynamic stability) indicates that this missense variant is not expected to disrupt SLC4A1 protein function with a negative predictive value of 80%. In summary, the available evidence is currently insufficient to determine the role of this variant in disease. Therefore, it has been classified as a Variant of Uncertain Significance.

NM_000342.4(SLC4A1):c.2491T>G (p.Trp831Gly)

Gene: SLC4A1 (solute carrier family 4 member 1 (Diego blood group); minus strand). Cytogenetic location: 17q21.31.
Variant type: single nucleotide variant.
Coding change: c.2491T>G on transcript NM_000342.4 (MANE Select); coding-DNA position 2491, T replaced by G.
Protein change: p.Trp831Gly; replaces tryptophan 831 with glycine.
Molecular consequence: missense variant.
Genome position (GRCh38, 1-based): chr17:44,251,323, A>C on the plus strand (T>G on the coding strand, the complement: SLC4A1 is on the minus strand). VCF-style: chr17-44251323-A-C. GRCh37 (hg19) VCF-style: chr17-42328691-A-C.
Other names: short protein forms W831G.
Identifiers: ClinVar variation 4768168 (VCV004768168.1).